The following is an entry in ClinVar:

NM_006506.5(RASA2):c.1227G>A (p.Met409Ile)

Gene: RASA2 (RAS p21 protein activator 2; plus strand). Cytogenetic location: 3q23.
Variant type: single nucleotide variant.
Coding change: c.1227G>A on transcript NM_006506.5 (MANE Select); coding-DNA position 1227, G replaced by A.
Protein change: p.Met409Ile; replaces methionine 409 with isoleucine.
Molecular consequence: missense variant.
Genome position (GRCh38, 1-based): chr3:141,572,666, G>A. VCF-style: chr3-141572666-G-A. GRCh37 (hg19) VCF-style: chr3-141291508-G-A.
Other names: c.1227G>A, p.Met409Ile (NM_001303245.3, NM_001303246.3); short protein forms M409I.
Identifiers: ClinVar variation 1509564 (VCV001509564.8), dbSNP rs2151130965, ClinGen allele CA354777593.

ClinVar aggregate classification (germline): Uncertain significance (1 of 4 stars; one submission).

Submission:

Labcorp Genetics (formerly Invitae), Labcorp
Classification: Uncertain significance. Last evaluated: 2021-05-31. Review status: criteria provided, single submitter. Criteria: Invitae Variant Classification Sherloc (09022015). Collection method: clinical testing. Allele origin: germline.
Comment: This variant has not been reported in the literature in individuals with RASA2-related conditions. In summary, the available evidence is currently insufficient to determine the role of this variant in disease. Therefore, it has been classified as a Variant of Uncertain Significance. Algorithms developed to predict the effect of missense changes on protein structure and function (SIFT, PolyPhen-2, Align-GVGD) all suggest that this variant is likely to be tolerated, but these predictions have not been confirmed by published functional studies and their clinical significance is uncertain. This variant is not present in population databases (ExAC no frequency). This sequence change replaces methionine with isoleucine at codon 409 of the RASA2 protein (p.Met409Ile). The methionine residue is moderately conserved and there is a small physicochemical difference between methionine and isoleucine.